The following is an entry in ClinVar:

NM_013280.5(FLRT1):c.86T>A (p.Met29Lys)

Genes: FLRT1 (fibronectin leucine rich transmembrane protein 1; plus strand), MACROD1 (mono-ADP ribosylhydrolase 1; minus strand). Cytogenetic location: 11q13.1.
Variant type: single nucleotide variant.
Coding change: c.86T>A on transcript NM_013280.5 (MANE Select); coding-DNA position 86, T replaced by A.
Protein change: p.Met29Lys; replaces methionine 29 with lysine.
Molecular consequence: missense variant. On other transcripts: initiator codon variant (1), intron variant (2).
Genome position (GRCh38, 1-based): chr11:64,116,353, T>A. VCF-style: chr11-64116353-T-A. GRCh37 (hg19) VCF-style: chr11-63883825-T-A.
Other names: c.86T>A, p.Met29Lys (NM_001384466.1); c.2T>A, p.Met1Lys (NM_001423967.1); c.517+34886A>T (NM_001411019.1, NM_014067.4); short protein forms M29K, M1K.
Identifiers: ClinVar variation 1055905 (VCV001055905.9), dbSNP rs199858445, ClinGen allele CA6067410.

ClinVar aggregate classification (germline): Uncertain significance (1 of 4 stars; one submission).

Conditions:
Peripheral neuropathy. Also called: Neuropathy. Identifiers: MedGen C0031117, MONDO:0005244, HP:0009830.

Allele frequency attached by ClinVar (database versions not stated): ESP Exome Variant Server 0.00008; gnomAD exomes 0.00010; ExAC 0.00018.
gnomAD v4.1: 43 of 1,612,902 alleles (0.0027%); highest among the groups gnomAD compares: Non-Finnish European, 0.0031%; no homozygotes.

Submission:

Labcorp Genetics (formerly Invitae), Labcorp
Classification: Uncertain significance for Peripheral neuropathy. Last evaluated: 2020-02-05. Review status: criteria provided, single submitter. Criteria: Invitae Variant Classification Sherloc (09022015). Collection method: clinical testing. Allele origin: germline.
Comment: This sequence change replaces methionine with lysine at codon 29 of the FLRT1 protein (p.Met29Lys). The methionine residue is moderately conserved and there is a moderate physicochemical difference between methionine and lysine. This variant is present in population databases (rs199858445, ExAC 0.03%). This variant has not been reported in the literature in individuals with FLRT1-related conditions. Algorithms developed to predict the effect of missense changes on protein structure and function are either unavailable or do not agree on the potential impact of this missense change (SIFT: "Deleterious"; PolyPhen-2: "Benign"; Align-GVGD: "Class C0"). In summary, the available evidence is currently insufficient to determine the role of this variant in disease. Therefore, it has been classified as a Variant of Uncertain Significance.